The following is an entry in ClinVar:

ClinVar aggregate classification (germline): Pathogenic. Review status: criteria provided, multiple submitters, no conflicts (2 of 4 stars). 6 submissions from 6 submitters: Pathogenic (5). 1 of the submissions does not count toward it. Last evaluated 2025-09-19.

Conditions:
UBE3A-related disorder. Also called: UBE3A-related condition.
Angelman syndrome (AS). Also called: HAPPY PUPPET SYNDROME. Identifiers: Orphanet 72, MedGen C0162635, MONDO:0007113, OMIM 105830. Disease mechanism: loss of function. Inheritance: imprinting disorder, AS is caused by disruption of maternally imprinted UBE3A located within the 15q11.2-q13 Angelman syndrome/Prader-Willi syndrome (AS/PWS) region..

Submissions (6):

Dasa
Classification: Pathogenic. Last evaluated: 2025-09-19. Review status: criteria provided, single submitter. Criteria: DASA Assertion Criteria. Collection method: clinical testing. Allele origin: germline.
Comment: NM_130839.5(UBE3A):c.2563_2567dup (p.Lys856Asnfs*7) is a frameshift variant in UBE3A predicted to alter the reading frame and introduce a premature termination codon and is predicted to result in an absent or altered protein product. Loss of function is an established disease mechanism for UBE3A (PMID: 20034088; PMID: 19213023; PMID: 8988172). This variant has been reported as a de novo occurrence in an affected individual (PMID: 8988171; PMID: 36011358; PMID: 33057194). Published studies describe this variant in association with related phenotype (PMID: 8988171; PMID: 36011358; PMID: 33057194). Also, this variant is absent from population databases. Based on the currently available evidence, this variant is classified as pathogenic.

PreventionGenetics, part of Exact Sciences
Classification: Pathogenic for UBE3A-related condition. Last evaluated: 2025-01-23. Review status: criteria provided, single submitter. Criteria: ACMG Guidelines, 2015. Collection method: clinical testing. Allele origin: germline.
Comment: The UBE3A c.2503_2507dup5 variant is predicted to result in a frameshift and premature protein termination (p.Lys836Asnfs*7). This variant has been reported as a de novo variant in three individuals with Angelman syndrome (Du et al. 2022. PubMed ID: 36011358). This variant has not been reported in a large population database (gnomAD), indicating this variant is rare. Frameshift variants in UBE3A are expected to be pathogenic. This variant is interpreted as pathogenic.

Victorian Clinical Genetics Services, Murdoch Childrens Research Institute
Classification: Pathogenic for Angelman syndrome. Last evaluated: 2023-07-17. Review status: criteria provided, single submitter. Criteria: ACMG Guidelines, 2015. Collection method: clinical testing. Allele origin: germline. Inheritance: Autosomal dominant inheritance. Affected: yes.
Comment: Based on the classification scheme VCGS_Germline_v1.3.4, this variant is classified as Pathogenic. Following criteria are met: 0102 - Loss of function is a known mechanism of disease in this gene on the maternal allele and is associated with Angelman syndrome (MIM#105830). (I) 0107 - This gene is associated with autosomal dominant disease. (I) 0113 - This gene is known to be imprinted which results in the silencing of the paternal allele (GeneReviews). (I) 0205 - Variant is predicted to result in a truncated protein (premature termination codon is NOT located at least 54 nucleotides upstream of the final exon-exon junction) with less than 1/3 of the protein sequence affected. (SP) 0251 - This variant is heterozygous. (I) 0301 - Variant is absent from gnomAD (both v2 and v3). (SP) 0600 - Variant is located in the annotated HECT ubiquitin-transferase domain (DECIPHER). (I) 0702 - Other protein truncating variants comparable to the one identified in this case have strong previous evidence for pathogenicity. There are at least three comparable protein truncating variants that have been classified as pathogenic by multiple clinical diagnostic laboratories (ClinVar). In addition, the p.(K856TfsX2) variant that has been reported as de novo in an individual with developmental delay, dopa responsive dystonia and hypertonia (PMID: 28252636). (SP) 0801 - This variant has strong previous evidence of pathogenicity in unrelated individuals. This variant has been classified as pathogenic by multiple clinical diagnostic laboratories and has been reported in multiple individuals with global developmental delay, including one individual with a diagnosis of Angelman syndrome (ClinVar; DECIPHER; PMIDs: 8988171, 26993267). In at least two of these individuals, this variant has been reported as de novo (DECIPHER; PMID: 8988171). (SP) 1207 - Parental origin of the variant is unresolved. (I) Legend: (SP) - Supporting pathogenic, (I) - Information, (SB) - Supporting benign

Labcorp Genetics (formerly Invitae), Labcorp
Classification: Pathogenic for Angelman syndrome. Last evaluated: 2023-05-13. Review status: criteria provided, single submitter. Criteria: Invitae Variant Classification Sherloc (09022015). Collection method: clinical testing. Allele origin: germline.
Comment: This sequence change creates a premature translational stop signal (p.Lys836Asnfs*7) in the UBE3A gene. While this is not anticipated to result in nonsense mediated decay, it is expected to disrupt the last 17 amino acid(s) of the UBE3A protein. This variant is not present in population databases (gnomAD no frequency). This premature translational stop signal has been observed in individual(s) with clinical features of, Angelman syndrome (PMID: 8988171, 26993267). This variant is also known as a "5-bp tandem duplication" and p.(Lys859Asnfs*7). ClinVar contains an entry for this variant (Variation ID: 212535). This variant disrupts a region of the UBE3A protein in which other variant(s) (p.Glu837Argfs*4) have been determined to be pathogenic (PMID: 11748306, 20034088). This suggests that this is a clinically significant region of the protein, and that variants that disrupt it are likely to be disease-causing. For these reasons, this variant has been classified as Pathogenic.

Genetic Services Laboratory, University of Chicago
Classification: Pathogenic for Angelman syndrome. Last evaluated: 2013-02-08. Review status: criteria provided, single submitter. Criteria: ACMG Guidelines, 2007. Collection method: clinical testing. Allele origin: germline. Affected: yes.

OMIM
Classification: Pathogenic for ANGELMAN SYNDROME. Last evaluated: 1997-01-01. Review status: no assertion criteria provided. Collection method: literature only. Allele origin: germline. Not counted in ClinVar's aggregate classification.

Literature cited by the submitters: PubMed 8988171 (cited by 4 submitters); PubMed 36011358 (cited by Dasa); PubMed 33057194 (cited by Dasa); PubMed 20034088 (cited by Dasa and Labcorp Genetics (formerly Invitae), Labcorp); PubMed 19213023 (cited by Dasa); PubMed 8988172 (cited by Dasa); PubMed 26993267 (cited by Victorian Clinical Genetics Services, Murdoch Childrens Research Institute and Labcorp Genetics (formerly Invitae), Labcorp); PubMed 28252636 (cited by Victorian Clinical Genetics Services, Murdoch Childrens Research Institute); PubMed 11748306 (cited by Labcorp Genetics (formerly Invitae), Labcorp).

NM_130839.5(UBE3A):c.2563_2567dup (p.Lys856fs)

Genes: SNHG14 (small nucleolar RNA host gene 14; plus strand), UBE3A (ubiquitin protein ligase E3A; minus strand). Cytogenetic location: 15q11.2.
Variant type: Duplication.
Coding change: c.2563_2567dup on transcript NM_130839.5 (MANE Select); coding-DNA positions 2563 to 2567, 5 bases duplicated (CTTAA; older notation c.2563_2567dupCTTAA).
Protein change: p.Lys856fs; shifts the reading frame from lysine 856.
Molecular consequence: frameshift variant. On other transcripts: non-coding transcript variant (1).
Genome position (GRCh38, 1-based): chr15:25,339,189-25,339,193, TTAAG duplicated on the plus strand (CTTAA on the coding strand, the reverse complement: UBE3A is on the minus strand); duplicating any 5 consecutive bases within chr15:25,339,189-25,339,195 gives the same sequence; the c. name uses the placement nearest the transcript's 3' end. VCF-style (leftmost placement, unchanged base first): chr15-25339188-T-TTTAAG. GRCh37 (hg19) VCF-style: chr15-25584335-T-TTTAAG.
Other names: c.2563_2567dup, p.Lys856fs (NM_001354505.1, NM_001354538.2); c.2503_2507dup, p.Lys836fs (NM_001354506.2, NM_001354507.2, NM_001354508.2 and 14 more transcripts); c.1312_1316dup, p.Lys439fs (NM_001354550.2); c.1252_1256dup, p.Lys419fs (NM_001354551.2); c.2407_2411dup, p.Lys804fs (NM_001354545.2); c.2386_2390dup, p.Lys797fs (NM_001354546.2); c.2347_2351dup, p.Lys784fs (NM_001354547.2, NM_001354548.2); c.2338_2342dup, p.Lys781fs (NM_001354549.2); and 3 more; short protein forms K419fs, K804fs, K781fs, K784fs, K856fs, K859fs, K439fs, K836fs.
Identifiers: ClinVar variation 212535 (VCV000212535.20), dbSNP rs1555379800, ClinGen allele CA335651.